The following is an entry in ClinVar:

ClinVar aggregate classification (germline): Pathogenic (1 of 4 stars; one submission).

Conditions:
Inborn genetic diseases. Identifiers: MedGen C0950123, MeSH D030342.

Submission:

Ambry Genetics
Classification: Pathogenic for Inborn genetic diseases. Last evaluated: 2024-01-10. Review status: criteria provided, single submitter. Criteria: Ambry Variant Classification Scheme 2023. Collection method: clinical testing. Allele origin: germline.
Comment: The c.2937T>A (p.Y979*) alteration, located in exon 16 (coding exon 15) of the SIN3A gene, consists of a T to A substitution at nucleotide position 2937. This changes the amino acid from a tyrosine (Y) to a stop codon at amino acid position 979. This alteration is expected to result in loss of function by premature protein truncation or nonsense-mediated mRNA decay. This variant was not reported in population-based cohorts in the Genome Aggregation Database (gnomAD). Based on the available evidence, this alteration is classified as pathogenic.

NM_001145358.2(SIN3A):c.2937T>A (p.Tyr979Ter)

Gene: SIN3A (SIN3 transcription regulator family member A; minus strand). Cytogenetic location: 15q24.2.
Variant type: single nucleotide variant.
Coding change: c.2937T>A on transcript NM_001145358.2 (MANE Select); coding-DNA position 2937, T replaced by A.
Protein change: p.Tyr979Ter; replaces tyrosine 979 with a stop codon.
Molecular consequence: nonsense.
Genome position (GRCh38, 1-based): chr15:75,389,736, A>T on the plus strand (T>A on the coding strand, the complement: SIN3A is on the minus strand). VCF-style: chr15-75389736-A-T. GRCh37 (hg19) VCF-style: chr15-75682077-A-T.
Other names: c.2937T>A, p.Tyr979Ter (NM_001145357.2, NM_015477.3); short protein forms Y979*.
Identifiers: ClinVar variation 3162312 (VCV003162312.1), dbSNP rs2543061332, ClinGen allele CA393489422.